The following is an entry in ClinVar:

NM_152703.5(SAMD9L):c.3965T>C (p.Leu1322Ser)

Gene: SAMD9L (sterile alpha motif domain containing 9 like; minus strand). Cytogenetic location: 7q21.2.
Variant type: single nucleotide variant.
Coding change: c.3965T>C on transcript NM_152703.5 (MANE Select); coding-DNA position 3965, T replaced by C.
Protein change: p.Leu1322Ser; replaces leucine 1322 with serine.
Molecular consequence: missense variant.
Genome position (GRCh38, 1-based): chr7:93,132,007, A>G on the plus strand (T>C on the coding strand, the complement: SAMD9L is on the minus strand). VCF-style: chr7-93132007-A-G. GRCh37 (hg19) VCF-style: chr7-92761320-A-G.
Other names: c.3965T>C, p.Leu1322Ser (NM_001303496.3, NM_001303497.3, NM_001303498.3 and 5 more transcripts); short protein forms L1322S.
Identifiers: ClinVar variation 1722078 (VCV001722078.5), dbSNP rs1584271706, ClinGen allele CA368178564.
Genomic context (GRCh38, chr7:93,132,007, plus strand): 5'-CCAGCAAACCTATCTGCTCTCAGAGCTTCTAGCTTTTTCCTGCAATTCTCCTCCTGGAGT[A>G]ATTGACTCTCTTTACTTTGTAATAGACATGGATCCAAATGACAGAAAAGTTCTGTGTATT-3'
Protein context (NP_689916.2, residues 1312-1332): PCLLQSKESQ[Leu1322Ser]LQEENCRKKL

ClinVar aggregate classification (germline): Uncertain significance (1 of 4 stars; one submission).

Allele frequency attached by ClinVar (database versions not stated): gnomAD exomes below 0.00001.
gnomAD v4.1: 1 of 1,613,130 alleles (0.000062%); highest among the groups gnomAD compares: South Asian, 0.0011%; no homozygotes.

Submission:

Labcorp Genetics (formerly Invitae), Labcorp
Classification: Uncertain significance. Last evaluated: 2022-10-24. Review status: criteria provided, single submitter. Criteria: Invitae Variant Classification Sherloc (09022015). Collection method: clinical testing. Allele origin: germline.
Comment: In summary, the available evidence is currently insufficient to determine the role of this variant in disease. Therefore, it has been classified as a Variant of Uncertain Significance. Advanced modeling of protein sequence and biophysical properties (such as structural, functional, and spatial information, amino acid conservation, physicochemical variation, residue mobility, and thermodynamic stability) performed at Invitae indicates that this missense variant is not expected to disrupt SAMD9L protein function. This variant has not been reported in the literature in individuals affected with SAMD9L-related conditions. This variant is not present in population databases (gnomAD no frequency). This sequence change replaces leucine, which is neutral and non-polar, with serine, which is neutral and polar, at codon 1322 of the SAMD9L protein (p.Leu1322Ser).